The following is an entry in ClinVar:

ClinVar aggregate classification (germline): Likely pathogenic (1 of 4 stars; one submission).

Submission:

Labcorp Genetics (formerly Invitae), Labcorp
Classification: Likely pathogenic. Last evaluated: 2023-06-25. Review status: criteria provided, single submitter. Criteria: Invitae Variant Classification Sherloc (09022015). Collection method: clinical testing. Allele origin: germline.
Comment: In summary, the currently available evidence indicates that the variant is pathogenic, but additional data are needed to prove that conclusively. Therefore, this variant has been classified as Likely Pathogenic. Algorithms developed to predict the effect of sequence changes on RNA splicing suggest that this variant may disrupt the consensus splice site. This variant has not been reported in the literature in individuals affected with CYP27B1-related conditions. This variant is not present in population databases (gnomAD no frequency). This sequence change affects a donor splice site in intron 4 of the CYP27B1 gene. It is expected to disrupt RNA splicing. Variants that disrupt the donor or acceptor splice site typically lead to a loss of protein function (PMID: 16199547), and loss-of-function variants in CYP27B1 are known to be pathogenic (PMID: 9837822, 17488797).

Literature cited by the submitters: PubMed 16199547; PubMed 9837822; PubMed 17488797.

NM_000785.4(CYP27B1):c.790+2T>G

Gene: CYP27B1 (cytochrome P450 family 27 subfamily B member 1; minus strand). Cytogenetic location: 12q14.1.
Variant type: single nucleotide variant.
Coding change: c.790+2T>G on transcript NM_000785.4 (MANE Select); the canonical splice donor site of the intron after coding-DNA position 790, T replaced by G.
Molecular consequence: splice donor variant.
Genome position (GRCh38, 1-based): chr12:57,765,009, A>C on the plus strand (T>G on the coding strand, the complement: CYP27B1 is on the minus strand). VCF-style: chr12-57765009-A-C. GRCh37 (hg19) VCF-style: chr12-58158792-A-C.
Identifiers: ClinVar variation 2797500 (VCV002797500.3), dbSNP rs1955347155, ClinGen allele CA385505108.